The following is an entry in ClinVar:

ClinVar aggregate classification (germline): Uncertain significance (1 of 4 stars; one submission).

Submission:

Labcorp Genetics (formerly Invitae), Labcorp
Classification: Uncertain significance. Last evaluated: 2023-12-30. Review status: criteria provided, single submitter. Criteria: Invitae Variant Classification Sherloc (09022015). Collection method: clinical testing. Allele origin: germline.
Comment: This sequence change replaces glycine, which is neutral and non-polar, with serine, which is neutral and polar, at codon 1378 of the POLE protein (p.Gly1378Ser). This variant is not present in population databases (gnomAD no frequency). This variant has not been reported in the literature in individuals affected with POLE-related conditions. Advanced modeling of protein sequence and biophysical properties (such as structural, functional, and spatial information, amino acid conservation, physicochemical variation, residue mobility, and thermodynamic stability) performed at Invitae indicates that this missense variant is not expected to disrupt POLE protein function with a negative predictive value of 80%. In summary, the available evidence is currently insufficient to determine the role of this variant in disease. Therefore, it has been classified as a Variant of Uncertain Significance.

NM_006231.4(POLE):c.4132G>A (p.Gly1378Ser)

Gene: POLE (DNA polymerase epsilon, catalytic subunit; minus strand). Cytogenetic location: 12q24.33.
Variant type: single nucleotide variant.
Coding change: c.4132G>A on transcript NM_006231.4 (MANE Select); coding-DNA position 4132, G replaced by A.
Protein change: p.Gly1378Ser; replaces glycine 1378 with serine.
Molecular consequence: missense variant.
Genome position (GRCh38, 1-based): chr12:132,648,946, C>T on the plus strand (G>A on the coding strand, the complement: POLE is on the minus strand). VCF-style: chr12-132648946-C-T. GRCh37 (hg19) VCF-style: chr12-133225532-C-T.
Other names: short protein forms G1378S.
Identifiers: ClinVar variation 2706335 (VCV002706335.3), dbSNP rs2138596502, ClinGen allele CA387383618.
Genomic context (GRCh38, chr12:132,648,946, plus strand): 5'-GGCTGCCCAGATGACTGCAGAGGCAGCACCAGCTCCTCCCTACCTTGCGATACGAAGCAC[C>T]CTCCTCCGCTTTAGCGACTCGCTGGTTCACGTAGAACACACGGGGGATGCTCAGCCTGAT-3'
Protein context (NP_006222.2, residues 1368-1388): VNQRVAKAEE[Gly1378Ser]ASYRKVNRVL